The following is an entry in ClinVar:

NM_017654.4(SAMD9):c.4008_4011dup (p.Ala1338fs)

Gene: SAMD9 (sterile alpha motif domain containing 9; minus strand). Cytogenetic location: 7q21.2.
Variant type: Duplication.
Coding change: c.4008_4011dup on transcript NM_017654.4 (MANE Select); coding-DNA positions 4008 to 4011, 4 bases duplicated (AGTA; older notation c.4008_4011dupAGTA).
Protein change: p.Ala1338fs; shifts the reading frame from alanine 1338.
Molecular consequence: frameshift variant.
Genome position (GRCh38, 1-based): chr7:93,102,087-93,102,090, TACT duplicated on the plus strand (AGTA on the coding strand, the reverse complement: SAMD9 is on the minus strand). VCF-style (leftmost placement, unchanged base first): chr7-93102086-C-CTACT. GRCh37 (hg19) VCF-style: chr7-92731399-C-CTACT.
Other names: c.4008_4011dup, p.Ala1338fs (NM_001193307.2); short protein forms A1338fs.
Identifiers: ClinVar variation 1708316 (VCV001708316.3), dbSNP rs2535354223, ClinGen allele CA2580077852.

ClinVar aggregate classification (germline): Pathogenic (1 of 4 stars; one submission).

Submission:

Centre of Medical Genetics, University Hospital Muenster
Classification: Pathogenic. Last evaluated: 2021-12-04. Review status: criteria provided, single submitter. Criteria: ACMG Guidelines, 2015. Collection method: clinical testing. Allele origin: unknown. Affected: yes. Observed: 1 variant allele, 1 heterozygote.
Comment: ACMG categories: PVS1,PM2,PP4